The following is an entry in ClinVar:

ClinVar aggregate classification (germline): Likely benign. Review status: criteria provided, multiple submitters, no conflicts (2 of 4 stars). 3 submissions from 3 submitters: Likely benign (2). 1 of the submissions does not count toward it. Last evaluated 2024-01-26.

Conditions:
Schuurs-Hoeijmakers syndrome. Also called: PACS1-Related Neurodevelopmental Disorder. Identifiers: Orphanet 329224, MedGen C3554343, MONDO:0014006, OMIM 615009.
PACS1-related disorder. Also called: PACS1-related condition.

gnomAD v4.1: 2 of 1,613,578 alleles (0.00012%); no homozygotes.

Submissions (3):

Blueprint Genetics
Classification: Likely benign. Last evaluated: 2024-01-26. Review status: criteria provided, single submitter. Criteria: ACMG Guidelines, 2015. Collection method: clinical testing. Allele origin: germline.

Labcorp Genetics (formerly Invitae), Labcorp
Classification: Likely benign for Schuurs-Hoeijmakers syndrome. Last evaluated: 2023-01-16. Review status: criteria provided, single submitter. Criteria: Invitae Variant Classification Sherloc (09022015). Collection method: clinical testing. Allele origin: germline.

PreventionGenetics, part of Exact Sciences
Classification: Likely benign for PACS1-related condition. Last evaluated: 2024-09-24. Review status: no assertion criteria provided. Collection method: clinical testing. Allele origin: germline. Not counted in ClinVar's aggregate classification.
Comment: This variant is classified as likely benign based on ACMG/AMP sequence variant interpretation guidelines (Richards et al. 2015 PMID: 25741868, with internal and published modifications).

NM_018026.4(PACS1):c.2112G>T (p.Leu704=)

Gene: PACS1 (phosphofurin acidic cluster sorting protein 1; plus strand). Cytogenetic location: 11q13.2.
Variant type: single nucleotide variant.
Coding change: c.2112G>T on transcript NM_018026.4 (MANE Select); coding-DNA position 2112, G replaced by T.
Protein change: p.Leu704=; no amino-acid change (leucine 704 retained).
Molecular consequence: synonymous variant.
Genome position (GRCh38, 1-based): chr11:66,235,308, G>T. VCF-style: chr11-66235308-G-T. GRCh37 (hg19) VCF-style: chr11-66002779-G-T.
Other names: c.2112G>T (NM_018026.3).
Identifiers: ClinVar variation 2772637 (VCV002772637.5), dbSNP rs1855683673, ClinGen allele CA475310701.